The following is an entry in ClinVar:

ClinVar aggregate classification (germline): Uncertain significance. Review status: criteria provided, multiple submitters, no conflicts (2 of 4 stars). 2 submissions from 2 submitters: Uncertain significance (2). Last evaluated 2025-03-03.

Conditions:
Inborn genetic diseases. Identifiers: MedGen C0950123, MeSH D030342.
Joubert syndrome 21 (JBTS21). Identifiers: MedGen C3810212, MONDO:0014288, OMIM 615636.

Allele frequency attached by ClinVar (database versions not stated): gnomAD 0.00002; gnomAD exomes 0.00002 and 0.00005; TOPMed 0.00002; ExAC 0.00004.
gnomAD v4.1: 38 of 1,558,472 alleles (0.0024%); highest among the groups gnomAD compares: African/African-American, 0.0014%; no homozygotes.

Submissions (2):

Ambry Genetics
Classification: Uncertain significance for Inborn genetic diseases. Last evaluated: 2025-03-03. Review status: criteria provided, single submitter. Criteria: Ambry Variant Classification Scheme 2023. Collection method: clinical testing. Allele origin: germline.

Labcorp Genetics (formerly Invitae), Labcorp
Classification: Uncertain significance for Joubert syndrome 21. Last evaluated: 2024-12-16. Review status: criteria provided, single submitter. Criteria: Invitae Variant Classification Sherloc (09022015). Collection method: clinical testing. Allele origin: germline.
Comment: This sequence change replaces asparagine, which is neutral and polar, with aspartic acid, which is acidic and polar, at codon 657 of the CSPP1 protein (p.Asn657Asp). This variant is present in population databases (rs746165769, gnomAD 0.09%). This variant has not been reported in the literature in individuals affected with CSPP1-related conditions. ClinVar contains an entry for this variant (Variation ID: 1354826). An algorithm developed to predict the effect of missense changes on protein structure and function (PolyPhen-2) suggests that this variant is likely to be disruptive. In summary, the available evidence is currently insufficient to determine the role of this variant in disease. Therefore, it has been classified as a Variant of Uncertain Significance.

NM_001382391.1(CSPP1):c.1984A>G (p.Asn662Asp)

Gene: CSPP1 (centrosome and spindle pole associated protein 1; plus strand). Cytogenetic location: 8q13.2.
Variant type: single nucleotide variant.
Coding change: c.1984A>G on transcript NM_001382391.1 (MANE Select); coding-DNA position 1984, A replaced by G.
Protein change: p.Asn662Asp; replaces asparagine 662 with aspartic acid.
Molecular consequence: missense variant. On other transcripts: intron variant (3).
Genome position (GRCh38, 1-based): chr8:67,149,791, A>G. VCF-style: chr8-67149791-A-G. GRCh37 (hg19) VCF-style: chr8-68062026-A-G.
Other names: c.1903A>G, p.Asn635Asp (NM_001363131.2); c.2050A>G, p.Asn684Asp (NM_001364869.1); c.1870A>G, p.Asn624Asp (NM_001364870.1); c.1969A>G, p.Asn657Asp (NM_024790.7); c.1934-4233A>G (NM_001363132.2); c.1853-4233A>G (NM_001363133.2); c.1079-4233A>G (NM_001291339.2); short protein forms N624D, N684D, N657D, N662D, N635D.
Identifiers: ClinVar variation 1354826 (VCV001354826.5), dbSNP rs746165769, ClinGen allele CA4770716.